The following is an entry in ClinVar:

NM_007194.4(CHEK2):c.126T>A (p.Ser42=)

Gene: CHEK2 (checkpoint kinase 2; minus strand). Cytogenetic location: 22q12.1.
Variant type: single nucleotide variant.
Coding change: c.126T>A on transcript NM_007194.4 (MANE Select); coding-DNA position 126, T replaced by A.
Protein change: p.Ser42=; no amino-acid change (serine 42 retained).
Molecular consequence: synonymous variant.
Genome position (GRCh38, 1-based): chr22:28,734,596, A>T on the plus strand (T>A on the coding strand, the complement: CHEK2 is on the minus strand). VCF-style: chr22-28734596-A-T. GRCh37 (hg19) VCF-style: chr22-29130584-A-T.
Other names: c.126T>A, p.Ser42= (NM_001005735.3, NM_001349956.3, NM_145862.3); c.-652T>A (NM_001257387.3).
Identifiers: ClinVar variation 698036 (VCV000698036.15), dbSNP rs1601853112, ClinGen allele CA513946591.

ClinVar aggregate classification (germline): Conflicting classifications of pathogenicity. Review status: criteria provided, conflicting classifications (1 of 4 stars). 4 submissions from 4 submitters: Uncertain significance (1); Benign (1); Likely benign (2). Last evaluated 2025-07-03.

Conditions:
Hereditary cancer-predisposing syndrome. Also called: Hereditary Cancer Syndrome; Neoplastic Syndromes, Hereditary; Hereditary neoplastic syndrome; Tumor predisposition. Identifiers: Orphanet 140162, MedGen C0027672, MeSH D009386, MONDO:0015356.
Familial cancer of breast. Also called: BREAST CANCER, FAMILIAL; Hereditary breast cancer; hereditary breast carcinoma. Identifiers: Orphanet 227535, MedGen C0346153, MONDO:0016419, OMIM 114480. Disease mechanism: loss of function.

gnomAD v4.1: 1 of 1,614,022 alleles (0.000062%); highest among the groups gnomAD compares: Non-Finnish European, 0.000085%; no homozygotes.

Submissions (4):

Labcorp Genetics (formerly Invitae), Labcorp
Classification: Likely benign for Familial cancer of breast. Last evaluated: 2025-07-03. Review status: criteria provided, single submitter. Criteria: Invitae Variant Classification Sherloc (09022015). Collection method: clinical testing. Allele origin: germline.

Myriad Genetics, Inc.
Classification: Benign for Familial cancer of breast. Last evaluated: 2024-10-01. Review status: criteria provided, single submitter. Criteria: Myriad Autosomal Dominant, Autosomal Recessive and X-Linked Classification Criteria (2023). Collection method: clinical testing. Allele origin: unknown.
Comment: This variant is considered benign. This variant is a silent/synonymous amino acid change and it is not expected to impact splicing.

Ambry Genetics
Classification: Likely benign for Hereditary cancer-predisposing syndrome. Last evaluated: 2023-05-11. Review status: criteria provided, single submitter. Criteria: Ambry Variant Classification Scheme 2023. Collection method: clinical testing. Allele origin: germline.

Quest Diagnostics Nichols Institute San Juan Capistrano
Classification: Uncertain significance. Last evaluated: 2019-03-14. Review status: criteria provided, single submitter. Criteria: Quest Diagnostics criteria. Collection method: clinical testing. Allele origin: germline.